The following is an entry in ClinVar:

NM_001197104.2(KMT2A):c.2699A>G (p.Gln900Arg)

Gene: KMT2A (lysine methyltransferase 2A; plus strand). Cytogenetic location: 11q23.3.
Variant type: single nucleotide variant.
Coding change: c.2699A>G on transcript NM_001197104.2 (MANE Select); coding-DNA position 2699, A replaced by G.
Protein change: p.Gln900Arg; replaces glutamine 900 with arginine.
Molecular consequence: missense variant.
Genome position (GRCh38, 1-based): chr11:118,473,858, A>G. VCF-style: chr11-118473858-A-G. GRCh37 (hg19) VCF-style: chr11-118344573-A-G.
Other names: c.2798A>G, p.Gln933Arg (NM_001412597.1); c.2699A>G, p.Gln900Arg (NM_005933.4); short protein forms Q900R, Q933R.
Identifiers: ClinVar variation 3068952 (VCV003068952.7), dbSNP rs1290276055, ClinGen allele CA382817182.

ClinVar aggregate classification (germline): Conflicting classifications of pathogenicity. Review status: criteria provided, conflicting classifications (1 of 4 stars). 3 submissions from 3 submitters: Uncertain significance (2); Likely benign (1). Last evaluated 2026-02-01.

Conditions:
Inborn genetic diseases. Identifiers: MedGen C0950123, MeSH D030342.

Allele frequency attached by ClinVar (database versions not stated): gnomAD exomes 0.00001; TOPMed 0.00001.
gnomAD v4.1: 3 of 1,614,228 alleles (0.00019%); highest among the groups gnomAD compares: Admixed American, 0.005%; no homozygotes.

Submissions (3):

CeGaT Center for Human Genetics Tuebingen
Classification: Uncertain significance. Last evaluated: 2026-02-01. Review status: criteria provided, single submitter. Criteria: CeGaT Center For Human Genetics Tuebingen Variant Classification Criteria Version 2. Collection method: clinical testing. Allele origin: germline. Affected: yes. Observed: 1 variant allele.
Comment: KMT2A: PM2, BP4

Ambry Genetics
Classification: Likely benign for Inborn genetic diseases. Last evaluated: 2025-10-15. Review status: criteria provided, single submitter. Criteria: Ambry Variant Classification Scheme 2023. Collection method: clinical testing. Allele origin: germline.

Women's Health and Genetics/Laboratory Corporation of America, LabCorp
Classification: Uncertain significance. Last evaluated: 2024-02-27. Review status: criteria provided, single submitter. Criteria: LabCorp Variant Classification Summary - May 2015. Collection method: clinical testing. Allele origin: germline.
Comment: Variant summary: KMT2A c.2699A>G (p.Gln900Arg) results in a conservative amino acid change in the encoded protein sequence. Four of five in-silico tools predict a benign effect of the variant on protein function. The variant allele was found at a frequency of 8e-06 in 251134 control chromosomes. The available data on variant occurrences in the general population are insufficient to allow any conclusion about variant significance. To our knowledge, no occurrence of c.2699A>G in individuals affected with Wiedemann-Steiner Syndrome and no experimental evidence demonstrating its impact on protein function have been reported. No submitters have cited clinical-significance assessments for this variant to ClinVar. Based on the evidence outlined above, the variant was classified as uncertain significance.